The following is an entry in ClinVar:

ClinVar aggregate classification (germline): Likely pathogenic (1 of 4 stars; one submission).

Submission:

CeGaT Center for Human Genetics Tuebingen
Classification: Likely pathogenic. Last evaluated: 2022-06-01. Review status: criteria provided, single submitter. Criteria: CeGaT Center For Human Genetics Tuebingen Variant Classification Criteria Version 2. Collection method: clinical testing. Allele origin: germline. Affected: yes. Observed: 1 variant allele.
Comment: PAX2: PM1, PM2, PP2, PP3

NM_000278.5(PAX2):c.224C>T (p.Thr75Ile)

Gene: PAX2 (paired box 2; plus strand). Cytogenetic location: 10q24.31.
Variant type: single nucleotide variant.
Coding change: c.224C>T on transcript NM_000278.5 (MANE Select); coding-DNA position 224, C replaced by T.
Protein change: p.Thr75Ile; replaces threonine 75 with isoleucine.
Molecular consequence: missense variant.
Genome position (GRCh38, 1-based): chr10:100,750,705, C>T. VCF-style: chr10-100750705-C-T. GRCh37 (hg19) VCF-style: chr10-102510462-C-T.
Other names: c.317C>T, p.Thr106Ile (NM_001304569.2); c.224C>T, p.Thr75Ile (NM_003987.5, NM_003988.5, NM_003989.5 and 1 more transcripts); short protein forms T106I, T75I.
Identifiers: ClinVar variation 1694568 (VCV001694568.31), dbSNP rs1845409168, ClinGen allele CA378257809.